The following is an entry in ClinVar:

ClinVar aggregate classification (germline): Uncertain significance (1 of 4 stars; one submission).

Conditions:
Bethlem myopathy 1A. Also called: Bethlem myopathy 1; MYOPATHY, BENIGN CONGENITAL, WITH CONTRACTURES; Bethlem Muscular Dystrophy. Identifiers: Orphanet 610, MedGen CN029274, MONDO:0024530, OMIM 158810.

gnomAD v4.1: 6 of 1,614,254 alleles (0.00037%); highest among the groups gnomAD compares: Non-Finnish European, 0.00051%; no homozygotes.

Submission:

Labcorp Genetics (formerly Invitae), Labcorp
Classification: Uncertain significance for Bethlem myopathy 1A. Last evaluated: 2023-11-03. Review status: criteria provided, single submitter. Criteria: Invitae Variant Classification Sherloc (09022015). Collection method: clinical testing. Allele origin: germline.
Comment: This sequence change replaces glutamic acid, which is acidic and polar, with lysine, which is basic and polar, at codon 1810 of the COL6A3 protein (p.Glu1810Lys). This variant is not present in population databases (gnomAD no frequency). This variant has not been reported in the literature in individuals affected with COL6A3-related conditions. Advanced modeling of protein sequence and biophysical properties (such as structural, functional, and spatial information, amino acid conservation, physicochemical variation, residue mobility, and thermodynamic stability) has been performed at Invitae for this missense variant, however the output from this modeling did not meet the statistical confidence thresholds required to predict the impact of this variant on COL6A3 protein function. In summary, the available evidence is currently insufficient to determine the role of this variant in disease. Therefore, it has been classified as a Variant of Uncertain Significance.

NM_004369.4(COL6A3):c.5428G>A (p.Glu1810Lys)

Gene: COL6A3 (collagen type VI alpha 3 chain; minus strand). Cytogenetic location: 2q37.3.
Variant type: single nucleotide variant.
Coding change: c.5428G>A on transcript NM_004369.4 (MANE Select); coding-DNA position 5428, G replaced by A.
Protein change: p.Glu1810Lys; replaces glutamic acid 1810 with lysine.
Molecular consequence: missense variant.
Genome position (GRCh38, 1-based): chr2:237,366,759, C>T on the plus strand (G>A on the coding strand, the complement: COL6A3 is on the minus strand). VCF-style: chr2-237366759-C-T. GRCh37 (hg19) VCF-style: chr2-238275402-C-T.
Other names: c.3607G>A, p.Glu1203Lys (NM_057166.5); c.4810G>A, p.Glu1604Lys (NM_057167.4); short protein forms E1203K, E1810K, E1604K.
Identifiers: ClinVar variation 2872171 (VCV002872171.3), dbSNP rs1463075616, ClinGen allele CA351187456.